The following is an entry in ClinVar:

NM_020166.5(MCCC1):c.315G>T (p.Gln105His)

Gene: MCCC1 (methylcrotonyl-CoA carboxylase subunit 1; minus strand). Cytogenetic location: 3q27.1.
Variant type: single nucleotide variant.
Coding change: c.315G>T on transcript NM_020166.5 (MANE Select); coding-DNA position 315, G replaced by T.
Protein change: p.Gln105His; replaces glutamine 105 with histidine.
Molecular consequence: missense variant. On other transcripts: 5 prime UTR variant (1), non-coding transcript variant (1).
Genome position (GRCh38, 1-based): chr3:183,086,747, C>A on the plus strand (G>T on the coding strand, the complement: MCCC1 is on the minus strand). VCF-style: chr3-183086747-C-A. GRCh37 (hg19) VCF-style: chr3-182804535-C-A.
Other names: c.86G>T, p.Arg29Ile (NM_001293273.2); c.-13G>T (NM_001363880.1); short protein forms Q105H, R29I.
Identifiers: ClinVar variation 3371103 (VCV003371103.1).

ClinVar aggregate classification (germline): Uncertain significance (1 of 4 stars; one submission).

Submission:

GeneDx
Classification: Uncertain significance. Last evaluated: 2024-03-19. Review status: criteria provided, single submitter. Criteria: GeneDx Variant Classification Process June 2021. Collection method: clinical testing. Allele origin: germline. Affected: yes.
Comment: Not observed at significant frequency in large population cohorts (gnomAD); In silico analysis supports that this missense variant has a deleterious effect on protein structure/function; Has not been previously published as pathogenic or benign to our knowledge